The following is an entry in ClinVar:

NM_003356.4(UCP3):c.504C>G (p.Thr168=)

Gene: UCP3 (uncoupling protein 3; minus strand). Cytogenetic location: 11q13.4.
Variant type: single nucleotide variant.
Coding change: c.504C>G on transcript NM_003356.4 (MANE Select); coding-DNA position 504, C replaced by G.
Protein change: p.Thr168=; no amino-acid change (threonine 168 retained).
Molecular consequence: synonymous variant.
Genome position (GRCh38, 1-based): chr11:74,005,767, G>C on the plus strand (C>G on the coding strand, the complement: UCP3 is on the minus strand). VCF-style: chr11-74005767-G-C. GRCh37 (hg19) VCF-style: chr11-73716812-G-C.
Other names: c.504C>G, p.Thr168= (NM_022803.3).
Identifiers: ClinVar variation 5000678 (VCV005000678.1).

ClinVar aggregate classification (germline): Likely benign (1 of 4 stars; one submission).

Conditions:
UCP3-related disorder. Also called: UCP3-related condition.

Submission:

PreventionGenetics, part of Exact Sciences
Classification: Likely benign for UCP3-related condition. Last evaluated: 2025-05-07. Review status: criteria provided, single submitter. Criteria: ACMG Guidelines, 2015. Collection method: clinical testing. Allele origin: germline.
Comment: This variant is classified as likely benign based on ACMG/AMP sequence variant interpretation guidelines (Richards et al. 2015 PMID: 25741868, with internal and published modifications).